The following is an entry in ClinVar:

ClinVar aggregate classification (germline): Uncertain significance (1 of 4 stars; one submission).

Conditions:
Ehlers-Danlos syndrome, classic type, 1 (EDSCL1). Also called: Ehlers-Danlos syndrome, type 1; Ehlers-Danlos Syndrome, Classic Type, COL5A1-Related; EDS I; EHLERS-DANLOS SYNDROME, GRAVIS TYPE; EHLERS-DANLOS SYNDROME, SEVERE CLASSIC TYPE. Identifiers: MedGen C0268335, MONDO:0019567, OMIM 130000.

Allele frequency attached by ClinVar (database versions not stated): gnomAD exomes below 0.00001.
gnomAD v4.1: 4 of 1,442,352 alleles (0.00028%); highest among the groups gnomAD compares: African/African-American, 0.0014%; no homozygotes.

Submission:

Labcorp Genetics (formerly Invitae), Labcorp
Classification: Uncertain significance for Ehlers-Danlos syndrome, classic type, 1. Last evaluated: 2019-12-25. Review status: criteria provided, single submitter. Criteria: Invitae Variant Classification Sherloc (09022015). Collection method: clinical testing. Allele origin: germline.
Comment: In summary, the available evidence is currently insufficient to determine the role of this variant in disease. Therefore, it has been classified as a Variant of Uncertain Significance. This variant has not been reported in the literature in individuals with COL5A2-related conditions. This variant is not present in population databases (ExAC no frequency). This sequence change replaces arginine with glycine at codon 779 of the COL5A2 protein (p.Arg779Gly). The arginine residue is highly conserved and there is a moderate physicochemical difference between arginine and glycine.

NM_000393.5(COL5A2):c.2335A>G (p.Arg779Gly)

Gene: COL5A2 (collagen type V alpha 2 chain; minus strand). Cytogenetic location: 2q32.2.
Variant type: single nucleotide variant.
Coding change: c.2335A>G on transcript NM_000393.5 (MANE Select); coding-DNA position 2335, A replaced by G.
Protein change: p.Arg779Gly; replaces arginine 779 with glycine.
Molecular consequence: missense variant.
Genome position (GRCh38, 1-based): chr2:189,057,322, T>C on the plus strand (A>G on the coding strand, the complement: COL5A2 is on the minus strand). VCF-style: chr2-189057322-T-C. GRCh37 (hg19) VCF-style: chr2-189922048-T-C.
Other names: short protein forms R779G.
Identifiers: ClinVar variation 849916 (VCV000849916.49), dbSNP rs1032000194, ClinGen allele CA62599444.
Genomic context (GRCh38, chr2:189,057,322, plus strand): 5'-TTCAGCAGAAAGTCTGAATAAATGAACTGAAAAAAAAAAAAAAAAAAAAAGGACTTACTC[T>C]GTCACCCTTGGGGCCAGGAGTTCCTGCAATTCCTCTTTCTCCCGGCATACCTTGAAGACC-3'
Protein context (NP_000384.2, residues 769-789): IAGTPGPKGD[Arg779Gly]GGIGEKGAEG